The following is an entry in ClinVar:

ClinVar aggregate classification (germline): Uncertain significance. Review status: criteria provided, multiple submitters, no conflicts (2 of 4 stars). 3 submissions from 3 submitters: Uncertain significance (3). Last evaluated 2023-06-29.

Conditions:
Focal segmental glomerulosclerosis 3, susceptibility to (FSGS3). Identifiers: Orphanet 656, MedGen C1842982, MONDO:0011917, OMIM 607832.
CD2AP-related disorder. Also called: CD2AP-related condition.

gnomAD v4.1: 2 of 1,591,796 alleles (0.00013%); highest among the groups gnomAD compares: Non-Finnish European, 0.000085%; no homozygotes.

Submissions (3):

PreventionGenetics, part of Exact Sciences
Classification: Uncertain significance for CD2AP-related condition. Last evaluated: 2023-06-29. Review status: criteria provided, single submitter. Criteria: ACMG Guidelines, 2015. Collection method: clinical testing. Allele origin: germline.
Comment: The CD2AP c.1633-6T>A variant is predicted to interfere with splicing. To our knowledge, this variant has not been reported in the literature or in a large population database, indicating this variant is rare. At this time, the clinical significance of this variant is uncertain due to the absence of conclusive functional and genetic evidence.

Labcorp Genetics (formerly Invitae), Labcorp
Classification: Uncertain significance. Last evaluated: 2021-02-14. Review status: criteria provided, single submitter. Criteria: Invitae Variant Classification Sherloc (09022015). Collection method: clinical testing. Allele origin: germline.
Comment: In summary, the available evidence is currently insufficient to determine the role of this variant in disease. Therefore, it has been classified as a Variant of Uncertain Significance. Algorithms developed to predict the effect of sequence changes on RNA splicing suggest that this variant may disrupt the consensus splice site, but this prediction has not been confirmed by published transcriptional studies. This variant has not been reported in the literature in individuals with CD2AP-related conditions. ClinVar contains an entry for this variant (Variation ID: 357177). This variant is not present in population databases (ExAC no frequency). This sequence change falls in intron 15 of the CD2AP gene. It does not directly change the encoded amino acid sequence of the CD2AP protein.

Illumina Laboratory Services, Illumina
Classification: Uncertain significance for Focal segmental glomerulosclerosis 3, susceptibility to. Last evaluated: 2018-01-13. Review status: criteria provided, single submitter. Criteria: ICSL Variant Classification Criteria 13 December 2019. Collection method: clinical testing. Allele origin: germline.

NM_012120.3(CD2AP):c.1633-6T>A

Gene: CD2AP (CD2 associated protein; plus strand). Cytogenetic location: 6p12.3.
Variant type: single nucleotide variant.
Coding change: c.1633-6T>A on transcript NM_012120.3 (MANE Select); 6 bases into the intron before coding-DNA position 1633, T replaced by A.
Molecular consequence: intron variant.
Genome position (GRCh38, 1-based): chr6:47,609,117, T>A. VCF-style: chr6-47609117-T-A. GRCh37 (hg19) VCF-style: chr6-47576853-T-A.
Identifiers: ClinVar variation 357177 (VCV000357177.13), dbSNP rs886061522, ClinGen allele CA10627130.
Genomic context (GRCh38, chr6:47,609,117, plus strand): 5'-GTTAAAATCTTTCGAACGTAAATATAATATTAAATAAAATCAGAAATTTTTTTTTTACGT[T>A]TTCAGCCATCTGTGTACCTTTCAACACCTTCCAGTGCTTCTAAAGCAAATACAACTGCTT-3'